The following is an entry in ClinVar:

ClinVar aggregate classification (germline): Conflicting classifications of pathogenicity. Review status: criteria provided, conflicting classifications (1 of 4 stars). 2 submissions from 2 submitters: Pathogenic (1); Uncertain significance (1). Last evaluated 2026-03-19.

Conditions:
Familial thoracic aortic aneurysm and aortic dissection (TAAD). Also called: Thoracic aortic aneurysms and dissections. Identifiers: Orphanet 91387, MedGen C4707243, MONDO:0019625.
Marfan syndrome (MFS). Also called: Marfan syndrome, classic; Marfan syndrome type 1; Marfan's syndrome; FBN1-Related Marfan Syndrome; MARFAN SYNDROME, TYPE I. Identifiers: Orphanet 284963, Orphanet 558, MedGen C0024796, MONDO:0007947, OMIM 154700.

Submissions (2):

GeneDx
Classification: Uncertain significance. Last evaluated: 2026-03-19. Review status: criteria provided, single submitter. Criteria: GeneDx Variant Classification Process June 2021. Collection method: clinical testing. Allele origin: germline.
Comment: Not observed at significant frequency in large population cohorts (gnomAD); In silico analysis supports that this missense variant has a deleterious effect on protein structure/function; Has not been previously published as pathogenic or benign to our knowledge; Does not affect a cysteine or calcium-binding residue within an EGF-like domain or a TGF-binding protein domain of the FBN1 gene; cysteine substitutions in the EGF-like domains represent the majority of pathogenic missense changes associated with FBN1-related disorders (PMID: 12938084); This variant is associated with the following publications: (PMID: 11524736, 12938084, 19293843, 19802897)

Labcorp Genetics (formerly Invitae), Labcorp
Classification: Pathogenic for Marfan syndrome; Familial thoracic aortic aneurysm and aortic dissection. Last evaluated: 2023-10-14. Review status: criteria provided, single submitter. Criteria: Invitae Variant Classification Sherloc (09022015). Collection method: clinical testing. Allele origin: germline.
Comment: This sequence change replaces glycine, which is neutral and non-polar, with alanine, which is neutral and non-polar, at codon 1987 of the FBN1 protein (p.Gly1987Ala). This variant is not present in population databases (gnomAD no frequency). This missense change has been observed in individual(s) with clinical features of FBN1-related conditions (Invitae). In at least one individual the variant was observed to be de novo. ClinVar contains an entry for this variant (Variation ID: 945021). Advanced modeling of protein sequence and biophysical properties (such as structural, functional, and spatial information, amino acid conservation, physicochemical variation, residue mobility, and thermodynamic stability) performed at Invitae indicates that this missense variant is expected to disrupt FBN1 protein function. This variant disrupts the p.Gly1987 amino acid residue in FBN1. Other variant(s) that disrupt this residue have been observed in individuals with FBN1-related conditions (PMID: 11524736, 19293843), which suggests that this may be a clinically significant amino acid residue. For these reasons, this variant has been classified as Pathogenic.

Literature cited by the submitters: PubMed 11524736 (cited by Labcorp Genetics (formerly Invitae), Labcorp); PubMed 19293843 (cited by Labcorp Genetics (formerly Invitae), Labcorp).

NM_000138.5(FBN1):c.5960G>C (p.Gly1987Ala)

Gene: FBN1 (fibrillin 1; minus strand). Cytogenetic location: 15q21.1.
Variant type: single nucleotide variant.
Coding change: c.5960G>C on transcript NM_000138.5 (MANE Select); coding-DNA position 5960, G replaced by C.
Protein change: p.Gly1987Ala; replaces glycine 1987 with alanine.
Molecular consequence: missense variant.
Genome position (GRCh38, 1-based): chr15:48,444,618, C>G on the plus strand (G>C on the coding strand, the complement: FBN1 is on the minus strand). VCF-style: chr15-48444618-C-G. GRCh37 (hg19) VCF-style: chr15-48736815-C-G.
Other names: short protein forms G1987A.
Identifiers: ClinVar variation 945021 (VCV000945021.8), dbSNP rs2043140093, ClinGen allele CA392339813.